The following is an entry in ClinVar:

ClinVar aggregate classification (germline): Likely benign (1 of 4 stars; one submission).

Allele frequency attached by ClinVar (database versions not stated): gnomAD exomes 0.00039; ESP Exome Variant Server 0.00077; gnomAD 0.00080; TOPMed 0.00084; ExAC 0.00103; 1000 Genomes Project 30x 0.00344; 1000 Genomes Project 0.00359.
gnomAD v4.1: 749 of 1,605,576 alleles (0.047%); highest among the groups gnomAD compares: East Asian, 0.51%; 4 homozygotes.

Submission:

CeGaT Center for Human Genetics Tuebingen
Classification: Likely benign. Last evaluated: 2022-11-01. Review status: criteria provided, single submitter. Criteria: CeGaT Center For Human Genetics Tuebingen Variant Classification Criteria Version 2. Collection method: clinical testing. Allele origin: germline. Affected: yes. Observed: 1 variant allele.
Comment: PATJ: BP4, BP7, BS2

NM_001350145.3(PATJ):c.3198G>A (p.Pro1066=)

Gene: PATJ (PATJ crumbs cell polarity complex component; plus strand). Cytogenetic location: 1p31.3.
Variant type: single nucleotide variant.
Coding change: c.3198G>A on transcript NM_001350145.3 (MANE Select); coding-DNA position 3198, G replaced by A.
Protein change: p.Pro1066=; no amino-acid change (proline 1066 retained).
Molecular consequence: synonymous variant.
Genome position (GRCh38, 1-based): chr1:61,899,649, G>A. VCF-style: chr1-61899649-G-A. GRCh37 (hg19) VCF-style: chr1-62365321-G-A.
Other names: c.3198G>A, p.Pro1066= (NM_170605.2, NM_176877.5).
Identifiers: ClinVar variation 2638858 (VCV002638858.24), dbSNP rs116844048, ClinGen allele CA882530.